The following is an entry in ClinVar:

ClinVar aggregate classification (germline): Uncertain significance (1 of 4 stars; one submission).

Conditions:
Cardiovascular phenotype. Identifiers: MedGen CN230736.

Submission:

Ambry Genetics
Classification: Uncertain significance for Cardiovascular phenotype. Last evaluated: 2025-11-07. Review status: criteria provided, single submitter. Criteria: Ambry Variant Classification Scheme 2023. Collection method: clinical testing. Allele origin: germline.
Comment: The p.I261T variant (also known as c.782T>C), located in coding exon 14 of the TNNT2 gene, results from a T to C substitution at nucleotide position 782. The isoleucine at codon 261 is replaced by threonine, an amino acid with similar properties. This amino acid position is conserved. In addition, this alteration is predicted to be deleterious by in silico analysis. Based on the available evidence, the clinical significance of this variant remains unclear.

NM_001276345.2(TNNT2):c.812T>C (p.Ile271Thr)

Gene: TNNT2 (troponin T2, cardiac type; minus strand). Cytogenetic location: 1q32.1.
Variant type: single nucleotide variant.
Coding change: c.812T>C on transcript NM_001276345.2 (MANE Select); coding-DNA position 812, T replaced by C.
Protein change: p.Ile271Thr; replaces isoleucine 271 with threonine.
Molecular consequence: missense variant.
Genome position (GRCh38, 1-based): chr1:201,359,662, A>G on the plus strand (T>C on the coding strand, the complement: TNNT2 is on the minus strand). VCF-style: chr1-201359662-A-G. GRCh37 (hg19) VCF-style: chr1-201328790-A-G.
Other names: c.803T>C, p.Ile268Thr (NM_000364.4, NM_001406723.1); c.782T>C, p.Ile261Thr (NM_001001430.3, NM_001276347.2, NM_001406724.1); c.773T>C, p.Ile258Thr (NM_001001431.3, NM_001406726.1, NM_001406727.1); c.764T>C, p.Ile255Thr (NM_001001432.3); c.683T>C, p.Ile228Thr (NM_001276346.2); c.779T>C, p.Ile260Thr (NM_001406725.1); c.767T>C, p.Ile256Thr (NM_001406728.1); short protein forms I260T, I261T, I271T, I255T, I268T, I228T, I256T, I258T.
Identifiers: ClinVar variation 4615120 (VCV004615120.1).